The following is an entry in ClinVar:

NM_000180.4(GUCY2D):c.2101C>T (p.Pro701Ser)

Gene: GUCY2D (guanylate cyclase 2D, retinal; plus strand). Cytogenetic location: 17p13.1.
Variant type: single nucleotide variant.
Coding change: c.2101C>T on transcript NM_000180.4 (MANE Select); coding-DNA position 2101, C replaced by T.
Protein change: p.Pro701Ser; replaces proline 701 with serine.
Molecular consequence: missense variant.
Genome position (GRCh38, 1-based): chr17:8,012,594, C>T. VCF-style: chr17-8012594-C-T. GRCh37 (hg19) VCF-style: chr17-7915912-C-T.
Other names: NM_000180.4(GUCY2D):c.2101C>T; short protein forms P701S.
Identifiers: ClinVar variation 98558 (VCV000098558.36), dbSNP rs34598902, ClinGen allele CA200657.
Genomic context (GRCh38, chr17:8,012,594, plus strand): 5'-AAGATCACTGACCACGGCCACGGGAGACTGCTGGAAGCACAGAAGGTGCTACCGGAGCCT[C>T]CCAGAGCGGAGGGTAAGAGTCCCCTGTGCAGACGAGGATCCACCGGGATCCCCATTATTT-3'
Protein context (NP_000171.1, residues 691-711): LEAQKVLPEP[Pro701Ser]RAEDQLWTAP

ClinVar aggregate classification (germline): Benign. Review status: reviewed by expert panel (3 of 4 stars). 13 submissions from 13 submitters: Benign (1). 12 of the submissions do not count toward it. Last evaluated 2025-01-30.

Conditions:
GUCY2D-related recessive retinopathy. Also called: Recessive GUCY2D retinopathy. Identifiers: MedGen CN305603, MONDO:0100453.
Choroidal dystrophy, central areolar, 1. Identifiers: Orphanet 75377, MedGen C4551884, MONDO:0024539, OMIM 215500.
Leber congenital amaurosis 1 (LCA1). Also called: RETINAL BLINDNESS, CONGENITAL; Congenital absence of the rods and cones; Leber's congenital tapetoretinal degeneration; Leber's congenital tapetoretinal dysplasia; AMAUROSIS CONGENITA OF LEBER I. Identifiers: Orphanet 65, MedGen C2931258, MONDO:0008764, OMIM 204000.
Cone-rod dystrophy 6 (CORD6). Also called: Cone dystrophy progressive; RETINAL CONE DYSTROPHY 2. Identifiers: Orphanet 1872, MedGen C1866293, MONDO:0011143, OMIM 601777.
Night blindness, congenital stationary, type1i. Also called: NIGHT BLINDNESS, CONGENITAL STATIONARY, TYPE 1I. Identifiers: MedGen C5231408, MONDO:0032811, OMIM 618555.
Retinal dystrophy. Also called: Inherited retinal dystrophy. Identifiers: Orphanet 71862, MedGen C0854723, MeSH D058499, MONDO:0019118, HP:0000556.

Allele frequency attached by ClinVar (database versions not stated): ESP Exome Variant Server 0.02583; TOPMed 0.04002; gnomAD exomes 0.05270 and 0.03267; 1000 Genomes Project 0.08327; gnomAD 0.03969 and 0.03505; ExAC 0.05163; 1000 Genomes Project 30x 0.08057.
gnomAD v4.1: 54,470 of 1,613,188 alleles (3.4%); highest among the groups gnomAD compares: East Asian, 21%; 2,099 homozygotes.

Submissions (13):

ClinGen Leber Congenital Amaurosis/early Onset Retinal Dystrophy Variant Curation Expert Panel, ClinGen
Classification: Benign for GUCY2D-related recessive retinopathy. Last evaluated: 2025-01-30. Review status: reviewed by expert panel. Criteria: ClinGen LCAeoRD ACMG Specifications GUCY2D V1.0.0. Collection method: curation. Allele origin: germline. Inheritance: Autosomal recessive inheritance.
Comment: NM_000180.4(GUCY2D):c.2101C>T (p.Pro701Ser) is a missense variant that is predicted to replace proline at position p.701 with serine. This variant is present in gnomAD v.4.1.0 at a Grpmax allele frequency of 0.2041, with 9318 / 44874 alleles in the East Asian population, which is higher than the ClinGen LCA / eoRD VCEP BA1 threshold of >0.016 (BA1). This variant has been found in the homozygous state in 2099 adult individuals in gnomAD which exceeds the LCA/eoRD VCEP threshold of >6 (gnomAD version 4.1.0; BS2). The computational predictor REVEL gives a score of 0.27, which is below the ClinGen LCA / eoRD VCEP threshold of <0.290 and predicts a non-damaging effect on RetGC-1 protein function. In addition, the splicing impact predictor SpliceAI gives a delta score of 0, which is below the ClinGen LCA/eoRD VCEP recommended threshold of <0.1 and does not predict an impact on splicing (BP4). In summary, this variant meets the criteria to be classified as Benign for GUCY2D-related recessive retinopathy based on the ACMG/AMP criteria applied, as specified by the ClinGen LCA/eoRD VCEP:BA1, BS2, BP4 (VCEP specifications version 1.0.0; date of approval 01/22/2025).

Labcorp Genetics (formerly Invitae), Labcorp
Classification: Benign for Leber congenital amaurosis 1; Cone-rod dystrophy 6. Last evaluated: 2026-02-04. Review status: criteria provided, single submitter. Criteria: Invitae Variant Classification Sherloc (09022015). Collection method: clinical testing. Allele origin: germline. Not counted in ClinVar's aggregate classification.

ARUP Laboratories, Molecular Genetics and Genomics, ARUP Laboratories
Classification: Benign. Last evaluated: 2023-11-29. Review status: criteria provided, single submitter. Criteria: ARUP Molecular Germline Variant Investigation Process 2024. Collection method: clinical testing. Allele origin: germline. Not counted in ClinVar's aggregate classification.

Fulgent Genetics
Classification: Benign for Leber congenital amaurosis 1; Choroidal dystrophy, central areolar, 1; Cone-rod dystrophy 6; Night blindness, congenital stationary, type1i. Last evaluated: 2021-09-01. Review status: criteria provided, single submitter. Criteria: ACMG Guidelines, 2015. Collection method: clinical testing. Allele origin: unknown. Not counted in ClinVar's aggregate classification.

GeneDx
Classification: Benign. Last evaluated: 2018-11-12. Review status: criteria provided, single submitter. Criteria: GeneDx Variant Classification Process June 2021. Collection method: clinical testing. Allele origin: germline. Affected: yes. Not counted in ClinVar's aggregate classification.
Comment: This variant is associated with the following publications: (PMID: 27884173, 11035546, 23424971, 20981092, 18055820, 15111605)

Institute of Human Genetics, Univ. Regensburg, Univ. Regensburg
Classification: Benign for Retinal dystrophy. Last evaluated: 2018-01-01. Review status: criteria provided, single submitter. Criteria: ACMG Guidelines, 2015. Collection method: clinical testing. Allele origin: germline. Affected: yes. Not counted in ClinVar's aggregate classification.

Laboratory for Molecular Medicine, Mass General Brigham Personalized Medicine
Classification: Benign. Last evaluated: 2016-03-28. Review status: criteria provided, single submitter. Criteria: LMM Criteria. Collection method: clinical testing. Allele origin: germline. Not counted in ClinVar's aggregate classification.
Comment: Variant identified in a genome or exome case(s) and assessed due to predicted null impact of the variant or pathogenic assertions in the literature or databases. Disclaimer: This variant has not undergone full assessment. The following are preliminary notes: Frequency in 1000Genomes: 180/2178=8.2%

Eurofins Ntd Llc (ga)
Classification: Benign. Last evaluated: 2014-10-03. Review status: criteria provided, single submitter. Criteria: EGL Classification Definitions 2015. Collection method: clinical testing. Allele origin: germline. Observed: 1 variant allele, 1 heterozygote. Not counted in ClinVar's aggregate classification.

Breakthrough Genomics
Classification: Likely benign. Review status: criteria provided, single submitter. Criteria: ACMG Guidelines, 2015. Collection method: not provided. Allele origin: germline. Inheritance: Autosomal recessive inheritance. Affected: yes. Not counted in ClinVar's aggregate classification.

PreventionGenetics, part of Exact Sciences
Classification: Likely benign. Review status: criteria provided, single submitter. Criteria: ACMG Guidelines, 2015. Collection method: clinical testing. Allele origin: germline. Not counted in ClinVar's aggregate classification.

Department of Ophthalmology and Visual Sciences Kyoto University
Classification: Likely benign. Review status: no assertion criteria provided. Collection method: not provided. Allele origin: unknown. Not counted in ClinVar's aggregate classification.
ClinVar note: Converted during submission from probable-non-pathogenic to Likely benign.

Laboratory of Genetics in Ophthalmology, Institut Imagine
Classification: Likely benign for Leber congenital amaurosis 1. Review status: no assertion criteria provided. Collection method: research. Allele origin: inherited. Affected: yes. Observed: 1 variant allele. Not counted in ClinVar's aggregate classification.

Retina International
No classification provided. Review status: no classification provided. Collection method: not provided. Allele origin: unknown. Not counted in ClinVar's aggregate classification.

Literature cited by the submitters: PubMed 11035546 (cited by Institute of Human Genetics, Univ. Regensburg, Univ. Regensburg and Laboratory of Genetics in Ophthalmology, Institut Imagine); PubMed 15111605 (cited by Institute of Human Genetics, Univ. Regensburg, Univ. Regensburg); PubMed 18055820 (cited by Institute of Human Genetics, Univ. Regensburg, Univ. Regensburg); PubMed 20981092 (cited by Institute of Human Genetics, Univ. Regensburg, Univ. Regensburg); PubMed 23424971 (cited by Institute of Human Genetics, Univ. Regensburg, Univ. Regensburg); PubMed 27884173 (cited by Institute of Human Genetics, Univ. Regensburg, Univ. Regensburg); PubMed 31816670 (cited by Institute of Human Genetics, Univ. Regensburg, Univ. Regensburg).